The following is an entry in ClinVar:

NM_000465.4(BARD1):c.1396-3T>G

Gene: BARD1 (BRCA1 associated RING domain 1; minus strand). Cytogenetic location: 2q35.
Variant type: single nucleotide variant.
Coding change: c.1396-3T>G on transcript NM_000465.4 (MANE Select); 3 bases into the intron before coding-DNA position 1396, T replaced by G.
Molecular consequence: intron variant.
Genome position (GRCh38, 1-based): chr2:214,767,657, A>C on the plus strand (T>G on the coding strand, the complement: BARD1 is on the minus strand). VCF-style: chr2-214767657-A-C. GRCh37 (hg19) VCF-style: chr2-215632381-A-C.
Other names: c.159-15102T>G (NM_001282548.2); c.1339-3T>G (NM_001282543.2); c.216-15102T>G (NM_001282545.2); c.364+24640T>G (NM_001282549.2).
Identifiers: ClinVar variation 946700 (VCV000946700.15), dbSNP rs1574789181, ClinGen allele CA1139655684.
Genomic context (GRCh38, chr2:214,767,657, plus strand): 5'-CCTTATGCTGGAGCAATAATTCCACTACCTTCAGGTGCCCATGATTGCAAGCTTCATGCT[A>C]ATTAAATTTTTTGAAAAAGAAGTGAAAGAAGTGATAAGAAAGAGCAATGGATGATATTAT-3'

ClinVar aggregate classification (germline): Uncertain significance. Review status: criteria provided, multiple submitters, no conflicts (2 of 4 stars). 2 submissions from 2 submitters: Uncertain significance (2). Last evaluated 2025-04-03.

Conditions:
Hereditary cancer-predisposing syndrome. Also called: Hereditary neoplastic syndrome; Neoplastic Syndromes, Hereditary; Tumor predisposition; Hereditary Cancer Syndrome. Identifiers: Orphanet 140162, MedGen C0027672, MeSH D009386, MONDO:0015356.
Familial cancer of breast. Also called: Hereditary breast cancer; hereditary breast carcinoma; BREAST CANCER, FAMILIAL. Identifiers: Orphanet 227535, MedGen C0346153, MONDO:0016419, OMIM 114480. Disease mechanism: loss of function.

Allele frequency attached by ClinVar (database versions not stated): gnomAD exomes 0.00001.
gnomAD v4.1: 5 of 1,613,760 alleles (0.00031%); highest among the groups gnomAD compares: Non-Finnish European, 0.00042%; no homozygotes.

Submissions (2):

Ambry Genetics
Classification: Uncertain significance for Hereditary cancer-predisposing syndrome. Last evaluated: 2025-04-03. Review status: criteria provided, single submitter. Criteria: Ambry Variant Classification Scheme 2023. Collection method: clinical testing. Allele origin: germline.
Comment: The c.1396-3T>G intronic variant results from a T to G substitution 3 nucleotides upstream from coding exon 6 in the BARD1 gene. This nucleotide position is well conserved in available vertebrate species. In silico splice site analysis predicts that this alteration may result in the creation or strengthening of a novel splice acceptor site; however, direct evidence is insufficient at this time (Ambry internal data). Based on the available evidence, the clinical significance of this variant remains unclear.

Labcorp Genetics (formerly Invitae), Labcorp
Classification: Uncertain significance for Familial cancer of breast. Last evaluated: 2023-11-17. Review status: criteria provided, single submitter. Criteria: Invitae Variant Classification Sherloc (09022015). Collection method: clinical testing. Allele origin: germline.
Comment: This sequence change falls in intron 5 of the BARD1 gene. It does not directly change the encoded amino acid sequence of the BARD1 protein. It affects a nucleotide within the consensus splice site. This variant is not present in population databases (gnomAD no frequency). This variant has not been reported in the literature in individuals affected with BARD1-related conditions. ClinVar contains an entry for this variant (Variation ID: 946700). Variants that disrupt the consensus splice site are a relatively common cause of aberrant splicing (PMID: 17576681, 9536098). Algorithms developed to predict the effect of sequence changes on RNA splicing suggest that this variant may disrupt the consensus splice site. In summary, the available evidence is currently insufficient to determine the role of this variant in disease. Therefore, it has been classified as a Variant of Uncertain Significance.

Literature cited by the submitters: PubMed 17576681 (cited by Labcorp Genetics (formerly Invitae), Labcorp); PubMed 9536098 (cited by Labcorp Genetics (formerly Invitae), Labcorp).